The following is an entry in ClinVar:

NM_001453.3(FOXC1):c.904C>G (p.Pro302Ala)

Gene: FOXC1 (forkhead box C1; plus strand). Cytogenetic location: 6p25.3.
Variant type: single nucleotide variant.
Coding change: c.904C>G on transcript NM_001453.3 (MANE Select); coding-DNA position 904, C replaced by G.
Protein change: p.Pro302Ala; replaces proline 302 with alanine.
Molecular consequence: missense variant.
Genome position (GRCh38, 1-based): chr6:1,611,349, C>G. VCF-style: chr6-1611349-C-G. GRCh37 (hg19) VCF-style: chr6-1611584-C-G.
Other names: short protein forms P302A.
Identifiers: ClinVar variation 4085670 (VCV004085670.8).

ClinVar aggregate classification (germline): Uncertain significance (1 of 4 stars; one submission).

Submission:

CeGaT Center for Human Genetics Tuebingen
Classification: Uncertain significance. Last evaluated: 2025-08-01. Review status: criteria provided, single submitter. Criteria: CeGaT Center For Human Genetics Tuebingen Variant Classification Criteria Version 2. Collection method: clinical testing. Allele origin: germline. Affected: yes. Observed: 1 variant allele.
Comment: FOXC1: PM2